The following is an entry in ClinVar:

ClinVar aggregate classification (germline): Likely benign (1 of 4 stars; one submission).

gnomAD v4.1: 1,167 of 1,610,210 alleles (0.072%); highest among the groups gnomAD compares: South Asian, 0.65%; 12 homozygotes.

Submission:

CeGaT Center for Human Genetics Tuebingen
Classification: Likely benign. Last evaluated: 2025-01-01. Review status: criteria provided, single submitter. Criteria: CeGaT Center For Human Genetics Tuebingen Variant Classification Criteria Version 2. Collection method: clinical testing. Allele origin: germline. Affected: yes. Observed: 2 variant alleles.
Comment: SIGLEC1: BP4, BS2

NM_023068.4(SIGLEC1):c.4270G>A (p.Val1424Ile)

Gene: SIGLEC1 (sialic acid binding Ig like lectin 1; minus strand). Cytogenetic location: 20p13.
Variant type: single nucleotide variant.
Coding change: c.4270G>A on transcript NM_023068.4 (MANE Select); coding-DNA position 4270, G replaced by A.
Protein change: p.Val1424Ile; replaces valine 1424 with isoleucine.
Molecular consequence: missense variant.
Genome position (GRCh38, 1-based): chr20:3,691,963, C>T on the plus strand (G>A on the coding strand, the complement: SIGLEC1 is on the minus strand). VCF-style: chr20-3691963-C-T. GRCh37 (hg19) VCF-style: chr20-3672610-C-T.
Other names: c.4270G>A, p.Val1424Ile (NM_001367089.1); short protein forms V1424I.
Identifiers: ClinVar variation 3770612 (VCV003770612.13).